The following is an entry in ClinVar:

ClinVar aggregate classification (germline): Uncertain significance (1 of 4 stars; one submission).

Submission:

GeneDx
Classification: Uncertain significance. Last evaluated: 2023-06-12. Review status: criteria provided, single submitter. Criteria: GeneDx Variant Classification Process June 2021. Collection method: clinical testing. Allele origin: germline. Affected: yes.
Comment: Not observed at significant frequency in large population cohorts (gnomAD); In silico analysis supports that this missense variant has a deleterious effect on protein structure/function; Has not been previously published as pathogenic or benign to our knowledge

NM_003922.4(HERC1):c.10469C>T (p.Ser3490Leu)

Gene: HERC1 (HECT and RLD domain containing E3 ubiquitin protein ligase family member 1; minus strand). Cytogenetic location: 15q22.31.
Variant type: single nucleotide variant.
Coding change: c.10469C>T on transcript NM_003922.4 (MANE Select); coding-DNA position 10469, C replaced by T.
Protein change: p.Ser3490Leu; replaces serine 3490 with leucine.
Molecular consequence: missense variant.
Genome position (GRCh38, 1-based): chr15:63,651,330, G>A on the plus strand (C>T on the coding strand, the complement: HERC1 is on the minus strand). VCF-style: chr15-63651330-G-A. GRCh37 (hg19) VCF-style: chr15-63943529-G-A.
Other names: short protein forms S3490L.
Identifiers: ClinVar variation 3362212 (VCV003362212.1).